The following is an entry in ClinVar:

NM_000350.3(ABCA4):c.36G>A (p.Trp12Ter)

Gene: ABCA4 (ATP binding cassette subfamily A member 4; minus strand). Cytogenetic location: 1p22.1.
Variant type: single nucleotide variant.
Coding change: c.36G>A on transcript NM_000350.3 (MANE Select); coding-DNA position 36, G replaced by A.
Protein change: p.Trp12Ter; replaces tryptophan 12 with a stop codon.
Molecular consequence: nonsense.
Genome position (GRCh38, 1-based): chr1:94,121,010, C>T on the plus strand (G>A on the coding strand, the complement: ABCA4 is on the minus strand). VCF-style: chr1-94121010-C-T. GRCh37 (hg19) VCF-style: chr1-94586566-C-T.
Other names: c.36G>A, p.Trp12Ter (NM_001425324.1); short protein forms W12*.
Identifiers: ClinVar variation 801520 (VCV000801520.3), dbSNP rs761209432, ClinGen allele CA26845230.

ClinVar aggregate classification (germline): Pathogenic. Review status: criteria provided, multiple submitters, no conflicts (2 of 4 stars). 2 submissions from 2 submitters: Pathogenic (2). Last evaluated 2024-06-05.

Conditions:
Severe early-childhood-onset retinal dystrophy (STGD1). Also called: Stargardt macular dystrophy; Juvenile onset macular degeneration; Stargardt disease 1; MACULAR DYSTROPHY WITH FLECKS, TYPE 1; STGD. Identifiers: Orphanet 364055, Orphanet 827, MedGen C1855465, MeSH D000080362, MONDO:0009549, OMIM 248200.

Submissions (2):

Labcorp Genetics (formerly Invitae), Labcorp
Classification: Pathogenic. Last evaluated: 2024-06-05. Review status: criteria provided, single submitter. Criteria: Invitae Variant Classification Sherloc (09022015). Collection method: clinical testing. Allele origin: germline.
Comment: This sequence change creates a premature translational stop signal (p.Trp12*) in the ABCA4 gene. It is expected to result in an absent or disrupted protein product. Loss-of-function variants in ABCA4 are known to be pathogenic (PMID: 10958761, 24938718, 25312043, 26780318). This variant is not present in population databases (gnomAD no frequency). This premature translational stop signal has been observed in individual(s) with ABCA4-related conditions (PMID: 29854428, 35120629). ClinVar contains an entry for this variant (Variation ID: 801520). For these reasons, this variant has been classified as Pathogenic.

Mendelics
Classification: Pathogenic for Severe early-childhood-onset retinal dystrophy. Last evaluated: 2019-05-28. Review status: criteria provided, single submitter. Criteria: Mendelics Assertion Criteria 2017. Collection method: clinical testing. Allele origin: unknown.

Literature cited by the submitters: PubMed 10958761 (cited by Labcorp Genetics (formerly Invitae), Labcorp); PubMed 24938718 (cited by Labcorp Genetics (formerly Invitae), Labcorp); PubMed 25312043 (cited by Labcorp Genetics (formerly Invitae), Labcorp); PubMed 26780318 (cited by Labcorp Genetics (formerly Invitae), Labcorp); PubMed 29854428 (cited by Labcorp Genetics (formerly Invitae), Labcorp); PubMed 35120629 (cited by Labcorp Genetics (formerly Invitae), Labcorp).